The following is an entry in ClinVar:

NM_024577.4(SH3TC2):c.1228G>A (p.Glu410Lys)

Gene: SH3TC2 (SH3 domain and tetratricopeptide repeats 2; minus strand). Cytogenetic location: 5q32.
Variant type: single nucleotide variant.
Coding change: c.1228G>A on transcript NM_024577.4 (MANE Select); coding-DNA position 1228, G replaced by A.
Protein change: p.Glu410Lys; replaces glutamic acid 410 with lysine.
Molecular consequence: missense variant.
Genome position (GRCh38, 1-based): chr5:149,028,504, C>T on the plus strand (G>A on the coding strand, the complement: SH3TC2 is on the minus strand). VCF-style: chr5-149028504-C-T. GRCh37 (hg19) VCF-style: chr5-148408067-C-T.
Other names: short protein forms E410K.
Identifiers: ClinVar variation 1490556 (VCV001490556.8), dbSNP rs1309091718, ClinGen allele CA361669513.
Genomic context (GRCh38, chr5:149,028,504, plus strand): 5'-CCTCCTCCAGGCTGGAGTCCTCAGAGCTGCTGGACTGTCTGGACCCCACGGCCTGATGCT[C>T]CTCCCAGGCTCTGCCAGGCCTGACCTCCTTGAAACCTTCAGGCTGGGATGCTGTAAGGAC-3'
Protein context (NP_078853.2, residues 400-420): KEVRPGRAWE[Glu410Lys]HQAVGSRQSS

ClinVar aggregate classification (germline): Uncertain significance (1 of 4 stars; one submission).

Conditions:
Charcot-Marie-Tooth disease type 4. Also called: Charcot-Marie-Tooth disease, type IV; Charcot-Marie-Tooth, Type 4. Identifiers: Orphanet 64749, MedGen C4082197, MONDO:0018995.

Allele frequency attached by ClinVar (database versions not stated): TOPMed below 0.00001.

Submission:

Labcorp Genetics (formerly Invitae), Labcorp
Classification: Uncertain significance for Charcot-Marie-Tooth disease type 4. Last evaluated: 2022-01-13. Review status: criteria provided, single submitter. Criteria: Invitae Variant Classification Sherloc (09022015). Collection method: clinical testing. Allele origin: germline.
Comment: This variant has not been reported in the literature in individuals affected with SH3TC2-related conditions. Advanced modeling of protein sequence and biophysical properties (such as structural, functional, and spatial information, amino acid conservation, physicochemical variation, residue mobility, and thermodynamic stability) performed at Invitae indicates that this missense variant is not expected to disrupt SH3TC2 protein function. In summary, the available evidence is currently insufficient to determine the role of this variant in disease. Therefore, it has been classified as a Variant of Uncertain Significance. This variant is not present in population databases (gnomAD no frequency). This sequence change replaces glutamic acid, which is acidic and polar, with lysine, which is basic and polar, at codon 410 of the SH3TC2 protein (p.Glu410Lys).